The following is an entry in ClinVar:

ClinVar aggregate classification (germline): Benign/Likely benign. Review status: criteria provided, multiple submitters, no conflicts (2 of 4 stars). 14 submissions from 14 submitters: Benign (8); Likely benign (3). 3 of the submissions do not count toward it. Last evaluated 2026-09-01.

Conditions:
Inborn genetic diseases. Identifiers: MedGen C0950123, MeSH D030342.
Nemaline myopathy 2 (NEM2). Also called: Nemaline myopathy 2, autosomal recessive. Identifiers: MedGen C1850569, MONDO:0009725, OMIM 256030.

Allele frequency attached by ClinVar (database versions not stated): 1000 Genomes Project 0.00339; 1000 Genomes Project 30x 0.00375; ExAC 0.00683; gnomAD exomes 0.00714 and 0.01072; gnomAD 0.00725 and 0.00734; TOPMed 0.00762; ESP Exome Variant Server 0.00888.
gnomAD v4.1: 16,597 of 1,613,528 alleles (1%); highest among the groups gnomAD compares: Non-Finnish European, 1.3%; 121 homozygotes.

Submissions (14):

CeGaT Center for Human Genetics Tuebingen
Classification: Benign. Last evaluated: 2026-09-01. Review status: criteria provided, single submitter. Criteria: CeGaT Center For Human Genetics Tuebingen Variant Classification Criteria Version 2. Collection method: clinical testing. Allele origin: germline. Affected: yes. Observed: 18 variant alleles.
Comment: NEB: BP4, BS1, BS2

Labcorp Genetics (formerly Invitae), Labcorp
Classification: Benign for Nemaline myopathy 2. Last evaluated: 2026-02-04. Review status: criteria provided, single submitter. Criteria: Invitae Variant Classification Sherloc (09022015). Collection method: clinical testing. Allele origin: germline.

Ambry Genetics
Classification: Likely benign for Inborn genetic diseases. Last evaluated: 2022-04-07. Review status: criteria provided, single submitter. Criteria: Ambry Variant Classification Scheme 2023. Collection method: clinical testing. Allele origin: germline.

Athena Diagnostics
Classification: Benign. Last evaluated: 2019-02-27. Review status: criteria provided, single submitter. Criteria: Athena Diagnostics Criteria. Collection method: clinical testing. Allele origin: germline.

Mayo Clinic Laboratories, Mayo Clinic
Classification: Benign. Last evaluated: 2018-04-06. Review status: criteria provided, single submitter. Criteria: ACMG Guidelines, 2015. Collection method: clinical testing. Allele origin: germline. Observed: 10 variant alleles.

Illumina Laboratory Services, Illumina
Classification: Likely benign for Nemaline myopathy 2. Last evaluated: 2018-01-13. Review status: criteria provided, single submitter. Criteria: ICSL Variant Classification Criteria 13 December 2019. Collection method: clinical testing. Allele origin: germline.
Comment: This variant was observed in the ICSL laboratory as part of a predisposition screen in an ostensibly healthy population. It had not been previously curated by ICSL or reported in the Human Gene Mutation Database (HGMD: prior to June 1st, 2018), and was therefore a candidate for classification through an automated scoring system. Utilizing variant allele frequency, disease prevalence and penetrance estimates, and inheritance mode, an automated score was calculated to assess if this variant is too frequent to cause the disease. Based on the score and internal cut-off values, a variant classified as likely benign is not then subjected to further curation. The score for this variant resulted in a classification of likely benign for this disease.

Genetic Services Laboratory, University of Chicago
Classification: Benign. Last evaluated: 2016-06-10. Review status: criteria provided, single submitter. Criteria: ACMG Guidelines, 2015. Collection method: clinical testing. Allele origin: germline. Affected: no.

Eurofins Ntd Llc (ga)
Classification: Benign. Last evaluated: 2016-06-02. Review status: criteria provided, single submitter. Criteria: EGL Classification Definitions 2015. Collection method: clinical testing. Allele origin: germline. Observed: 1 variant allele, 1 heterozygote.

GeneDx
Classification: Benign. Last evaluated: 2016-05-02. Review status: criteria provided, single submitter. Criteria: GeneDx Variant Classification (06012015). Collection method: clinical testing. Allele origin: germline. Affected: yes.
Comment: This variant is considered likely benign or benign based on one or more of the following criteria: it is a conservative change, it occurs at a poorly conserved position in the protein, it is predicted to be benign by multiple in silico algorithms, and/or has population frequency not consistent with disease.

Breakthrough Genomics
Classification: Likely benign. Review status: criteria provided, single submitter. Criteria: ACMG Guidelines, 2015. Collection method: not provided. Allele origin: germline. Inheritance: Autosomal recessive inheritance. Affected: yes.

PreventionGenetics, part of Exact Sciences
Classification: Benign. Review status: criteria provided, single submitter. Criteria: ACMG Guidelines, 2015. Collection method: clinical testing. Allele origin: germline.

Natera, Inc.
Classification: Likely benign for Nemaline myopathy type 2. Last evaluated: 2019-12-05. Review status: no assertion criteria provided. Collection method: clinical testing. Allele origin: germline. Not counted in ClinVar's aggregate classification.

Genome Diagnostics Laboratory, University Medical Center Utrecht
Classification: Benign. Review status: no assertion criteria provided. Collection method: clinical testing. Allele origin: germline. Affected: yes. Study: VKGL Data-share Consensus. Not counted in ClinVar's aggregate classification.

Laboratory of Diagnostic Genome Analysis, Leiden University Medical Center (LUMC)
Classification: Likely benign. Review status: no assertion criteria provided. Collection method: clinical testing. Allele origin: germline. Affected: yes. Study: VKGL Data-share Consensus. Not counted in ClinVar's aggregate classification.

NM_001164508.2(NEB):c.20078C>T (p.Thr6693Ile)

Gene: NEB (nebulin; minus strand). Cytogenetic location: 2q23.3.
Variant type: single nucleotide variant.
Coding change: c.20078C>T on transcript NM_001164508.2 (MANE Select); coding-DNA position 20078, C replaced by T.
Protein change: p.Thr6693Ile; replaces threonine 6693 with isoleucine.
Molecular consequence: missense variant.
Genome position (GRCh38, 1-based): chr2:151,548,387, G>A on the plus strand (C>T on the coding strand, the complement: NEB is on the minus strand). VCF-style: chr2-151548387-G-A. GRCh37 (hg19) VCF-style: chr2-152404901-G-A.
Other names: p.Thr6693Ile; c.20078C>T, p.Thr6693Ile (NM_001164507.2, NM_001271208.2); c.14975C>T, p.Thr4992Ile (NM_004543.5); short protein forms T6693I, T4992I.
Identifiers: ClinVar variation 129720 (VCV000129720.57), dbSNP rs35707762, ClinGen allele CA153919.
Genomic context (GRCh38, chr2:151,548,387, plus strand): 5'-ACTCTCCGGACGTGGACAAATGGAACATCTTTGGGGCCAAGTGTATACCCATATGCCTTG[G>A]TGTGTTCATAGGCTTCTTTGTACTTGAACTGCAAAAGCAAAGTCAGAATGAGATCAATGA-3'
Protein context (NP_001157980.2, residues 6683-6703): YFKYKEAYEH[Thr6693Ile]KAYGYTLGPK